The following is an entry in ClinVar:

ClinVar aggregate classification (germline): Uncertain significance (1 of 4 stars; one submission).

Conditions:
Early-infantile DEE. Also called: Early infantile epileptic encephalopathy; Early infantile epileptic encephalopathy with suppression bursts; Ohtahara syndrome. Identifiers: Orphanet 1934, MedGen C0393706, MONDO:0800491.

Submission:

Labcorp Genetics (formerly Invitae), Labcorp
Classification: Uncertain significance for Early-infantile DEE. Last evaluated: 2023-01-26. Review status: criteria provided, single submitter. Criteria: Invitae Variant Classification Sherloc (09022015). Collection method: clinical testing. Allele origin: germline.
Comment: This sequence change replaces glycine, which is neutral and non-polar, with alanine, which is neutral and non-polar, at codon 38 of the KCNQ2 protein (p.Gly38Ala). This variant is not present in population databases (gnomAD no frequency). This variant has not been reported in the literature in individuals affected with KCNQ2-related conditions. Advanced modeling of protein sequence and biophysical properties (such as structural, functional, and spatial information, amino acid conservation, physicochemical variation, residue mobility, and thermodynamic stability) performed at Invitae indicates that this missense variant is expected to disrupt KCNQ2 protein function. In summary, the available evidence is currently insufficient to determine the role of this variant in disease. Therefore, it has been classified as a Variant of Uncertain Significance.

NM_172107.4(KCNQ2):c.113G>C (p.Gly38Ala)

Gene: KCNQ2 (potassium voltage-gated channel subfamily Q member 2; minus strand). Cytogenetic location: 20q13.33.
Variant type: single nucleotide variant.
Coding change: c.113G>C on transcript NM_172107.4 (MANE Select); coding-DNA position 113, G replaced by C.
Protein change: p.Gly38Ala; replaces glycine 38 with alanine.
Molecular consequence: missense variant.
Genome position (GRCh38, 1-based): chr20:63,472,351, C>G on the plus strand (G>C on the coding strand, the complement: KCNQ2 is on the minus strand). VCF-style: chr20-63472351-C-G. GRCh37 (hg19) VCF-style: chr20-62103704-C-G.
Other names: c.113G>C, p.Gly38Ala (NM_001382235.1, NM_004518.6, NM_172106.3 and 2 more transcripts); short protein forms G38A.
Identifiers: ClinVar variation 2832240 (VCV002832240.3), dbSNP rs2516745799, ClinGen allele CA409635665.